The following is an entry in ClinVar:

ClinVar aggregate classification (germline): Uncertain significance. Review status: criteria provided, multiple submitters, no conflicts (2 of 4 stars). 3 submissions from 3 submitters: Uncertain significance (3). Last evaluated 2021-07-15.

Conditions:
Peutz-Jeghers syndrome (PJS). Also called: Peutz-Jeghers polyposis; Periorificial lentiginosis syndrome; POLYPOSIS, HAMARTOMATOUS INTESTINAL; POLYPS-AND-SPOTS SYNDROME. Identifiers: Orphanet 2869, MedGen C0031269, MeSH D010580, MONDO:0008280, OMIM 175200.

Submissions (3):

Genome-Nilou Lab
Classification: Uncertain significance for Peutz-Jeghers syndrome. Last evaluated: 2021-07-15. Review status: criteria provided, single submitter. Criteria: ACMG Guidelines, 2015. Collection method: clinical testing. Allele origin: germline. Affected: no.

Labcorp Genetics (formerly Invitae), Labcorp
Classification: Uncertain significance for Peutz-Jeghers syndrome. Last evaluated: 2018-12-08. Review status: criteria provided, single submitter. Criteria: Invitae Variant Classification Sherloc (09022015). Collection method: clinical testing. Allele origin: germline.
Comment: In summary, the available evidence is currently insufficient to determine the role of this variant in disease. Therefore, it has been classified as a Variant of Uncertain Significance. Algorithms developed to predict the effect of missense changes on protein structure and function (SIFT, PolyPhen-2, Align-GVGD) all suggest that this variant is likely to be tolerated, but these predictions have not been confirmed by published functional studies and their clinical significance is uncertain. This variant has not been reported in the literature in individuals with STK11-related conditions. This variant is not present in population databases (ExAC no frequency). This sequence change replaces serine with asparagine at codon 142 of the STK11 protein (p.Ser142Asn). The serine residue is highly conserved and there is a small physicochemical difference between serine and asparagine.

Women's Health and Genetics/Laboratory Corporation of America, LabCorp
Classification: Uncertain significance. Last evaluated: 2018-03-30. Review status: criteria provided, single submitter. Criteria: LabCorp Variant Classification Summary - May 2015. Collection method: clinical testing. Allele origin: germline.
Comment: Variant summary: STK11 c.425G>A (p.Ser142Asn) results in a conservative amino acid change located in the Protein kinase domain of the encoded protein sequence. Four of five in-silico tools predict a benign effect of the variant on protein function. The variant was absent in 50790 control chromosomes. The available data on variant occurrences in the general population are insufficient to allow any conclusion about variant significance. To our knowledge, no occurrence of c.425G>A in individuals affected with Peutz-Jeghers Syndrome and no experimental evidence demonstrating its impact on protein function have been reported. No clinical diagnostic laboratories have submitted clinical-significance assessments for this variant to ClinVar after 2014. Based on the evidence outlined above, the variant was classified as uncertain significance.

NM_000455.5(STK11):c.425G>A (p.Ser142Asn)

Gene: STK11 (serine/threonine kinase 11; plus strand). Cytogenetic location: 19p13.3.
Variant type: single nucleotide variant.
Coding change: c.425G>A on transcript NM_000455.5 (MANE Select); coding-DNA position 425, G replaced by A.
Protein change: p.Ser142Asn; replaces serine 142 with asparagine.
Molecular consequence: missense variant.
Genome position (GRCh38, 1-based): chr19:1,219,374, G>A. VCF-style: chr19-1219374-G-A. GRCh37 (hg19) VCF-style: chr19-1219373-G-A.
Other names: short protein forms S142N.
Identifiers: ClinVar variation 633437 (VCV000633437.11), dbSNP rs1568705518, ClinGen allele CA402948269.